The following is an entry in ClinVar:

NM_000218.3(KCNQ1):c.1514+6535T>A

Genes: KCNQ1 (potassium voltage-gated channel subfamily Q member 1; plus strand), KCNQ1OT1 (KCNQ1 opposite strand/antisense transcript 1; minus strand). Cytogenetic location: 11p15.5.
Variant type: single nucleotide variant.
Coding change: c.1514+6535T>A on transcript NM_000218.3 (MANE Select); 6535 bases into the intron after coding-DNA position 1514, T replaced by A.
Molecular consequence: intron variant.
Genome position (GRCh38, 1-based): chr11:2,668,616, T>A. VCF-style: chr11-2668616-T-A. GRCh37 (hg19) VCF-style: chr11-2689846-T-A.
Other names: c.1244+6535T>A (NM_001406837.1); c.1418+6535T>A (NM_001406836.1); c.974+6535T>A (NM_001406838.1); c.1133+6535T>A (NM_181798.2).
Identifiers: ClinVar variation 1701162 (VCV001701162.32), dbSNP rs189751284, ClinGen allele CA216176572.

ClinVar aggregate classification (germline): Likely benign. Review status: criteria provided, multiple submitters, no conflicts (2 of 4 stars). 2 submissions from 2 submitters: Likely benign (2). Last evaluated 2026-09-01.

Allele frequency attached by ClinVar (database versions not stated): gnomAD 0.00352 and 0.00366; gnomAD exomes 0.00525; 1000 Genomes Project 30x 0.00078; 1000 Genomes Project 0.00080; TOPMed 0.00322.
gnomAD v4.1: 1,828 of 398,666 alleles (0.46%); highest among the groups gnomAD compares: Non-Finnish European, 0.61%; 10 homozygotes.

Submissions (2):

CeGaT Center for Human Genetics Tuebingen
Classification: Likely benign. Last evaluated: 2026-09-01. Review status: criteria provided, single submitter. Criteria: CeGaT Center For Human Genetics Tuebingen Variant Classification Criteria Version 2. Collection method: clinical testing. Allele origin: germline. Affected: yes. Observed: 67 variant alleles.
Comment: KCNQ1OT1: BS2

Blueprint Genetics
Classification: Likely benign. Last evaluated: 2024-11-21. Review status: criteria provided, single submitter. Criteria: ACMG Guidelines, 2015. Collection method: clinical testing. Allele origin: germline.